The following is an entry in ClinVar:

ClinVar aggregate classification (germline): Pathogenic (1 of 4 stars; one submission).

Conditions:
Hereditary cancer-predisposing syndrome. Also called: Neoplastic Syndromes, Hereditary; Tumor predisposition; Hereditary neoplastic syndrome; Hereditary Cancer Syndrome. Identifiers: Orphanet 140162, MedGen C0027672, MeSH D009386, MONDO:0015356.
Cardiovascular phenotype. Identifiers: MedGen CN230736.

Submission:

Ambry Genetics
Classification: Pathogenic for Cardiovascular phenotype; Hereditary cancer-predisposing syndrome. Last evaluated: 2024-03-05. Review status: criteria provided, single submitter. Criteria: Ambry Variant Classification Scheme 2023. Collection method: clinical testing. Allele origin: germline.
Comment: The c.4998_5001dupGGAG pathogenic mutation, located in coding exon 36 of the NF1 gene, results from a duplication of GGAG at nucleotide positions 4998 to 5001, causing a translational frameshift with a predicted alternate stop codon (p.Y1668Gfs*7). This variant has been observed in at least one individual with a personal and/or family history that is consistent with neurofibromatosis type 1 (NF1) (Ambry internal data). This variant is considered to be rare based on population cohorts in the Genome Aggregation Database (gnomAD). This alteration is expected to result in loss of function by premature protein truncation or nonsense-mediated mRNA decay. As such, this alteration is interpreted as a disease-causing mutation.

NM_001042492.3(NF1):c.5061_5064dup (p.Tyr1689fs)

Gene: NF1 (neurofibromin 1; plus strand). Cytogenetic location: 17q11.2.
Variant type: Duplication.
Coding change: c.5061_5064dup on transcript NM_001042492.3 (MANE Select); coding-DNA positions 5061 to 5064, 4 bases duplicated (GGAG; older notation c.5061_5064dupGGAG).
Protein change: p.Tyr1689fs; shifts the reading frame from tyrosine 1689.
Molecular consequence: frameshift variant.
Genome position (GRCh38, 1-based): chr17:31,326,045-31,326,048, GGAG duplicated; duplicating any 4 consecutive bases within chr17:31,326,043-31,326,048 gives the same sequence; the c. name uses the placement nearest the transcript's 3' end. VCF-style (leftmost placement, unchanged base first): chr17-31326042-C-CAGGG. GRCh37 (hg19) VCF-style: chr17-29653060-C-CAGGG.
Other names: c.4998_5001dupGGAG (NM_000267.3); c.4998_5001dup, p.Tyr1668Glyfs (NM_000267.4); short protein forms Y1668fs, Y1689fs.
Identifiers: ClinVar variation 3237813 (VCV003237813.1), dbSNP rs2508696606.
Genomic context (GRCh38, chr17:31,326,042, plus strand): 5'-TCCTGGCTTTGCTTACGACAACGTCTCCGCAGTCTATATCTATAACTGTAACTCCTGGGT[C>CAGGG]AGGGAGTACACCAAGTATCATGAGCGGCTGCTGACTGGCCTCAAAGGTAGCAAAAGGCTT-3'